The following is an entry in ClinVar:

NM_001360.3(DHCR7):c.25A>T (p.Ile9Phe)

Gene: DHCR7 (7-dehydrocholesterol reductase; minus strand). Cytogenetic location: 11q13.4.
Variant type: single nucleotide variant.
Coding change: c.25A>T on transcript NM_001360.3 (MANE Select); coding-DNA position 25, A replaced by T.
Protein change: p.Ile9Phe; replaces isoleucine 9 with phenylalanine.
Molecular consequence: missense variant.
Genome position (GRCh38, 1-based): chr11:71,444,928, T>A on the plus strand (A>T on the coding strand, the complement: DHCR7 is on the minus strand). VCF-style: chr11-71444928-T-A. GRCh37 (hg19) VCF-style: chr11-71155974-T-A.
Other names: c.25A>T, p.Ile9Phe (NM_001163817.2); short protein forms I9F.
Identifiers: ClinVar variation 439595 (VCV000439595.32), dbSNP rs115595829, ClinGen allele CA6162726.

ClinVar aggregate classification (germline): Benign/Likely benign. Review status: criteria provided, multiple submitters, no conflicts (2 of 4 stars). 9 submissions from 9 submitters: Benign (5); Likely benign (3). 1 of the submissions does not count toward it. Last evaluated 2026-02-02.

Conditions:
Inborn genetic diseases. Identifiers: MedGen C0950123, MeSH D030342.
Smith-Lemli-Opitz syndrome (SLOS). Also called: 7-Dehydrocholesterol reductase deficiency; LETHAL ACRODYSGENITAL SYNDROME; POLYDACTYLY, SEX REVERSAL, RENAL HYPOPLASIA, AND UNILOBAR LUNG; RSH SYNDROME; RUTLEDGE LETHAL MULTIPLE CONGENITAL ANOMALY SYNDROME. Identifiers: Orphanet 818, MedGen C0175694, MONDO:0010035, OMIM 270400.

Allele frequency attached by ClinVar (database versions not stated): gnomAD 0.00911 and 0.00983; TOPMed 0.01035; 1000 Genomes Project 0.01038; ESP Exome Variant Server 0.01178; 1000 Genomes Project 30x 0.01202.

Submissions (9):

Labcorp Genetics (formerly Invitae), Labcorp
Classification: Benign for Smith-Lemli-Opitz syndrome. Last evaluated: 2026-02-02. Review status: criteria provided, single submitter. Criteria: Invitae Variant Classification Sherloc (09022015). Collection method: clinical testing. Allele origin: germline.

Mayo Clinic Laboratories, Mayo Clinic
Classification: Benign. Last evaluated: 2024-06-14. Review status: criteria provided, single submitter. Criteria: ACMG Guidelines, 2015. Collection method: clinical testing. Allele origin: germline. Observed: 13 variant alleles.
Comment: BS1, BS2

ARUP Laboratories, Molecular Genetics and Genomics, ARUP Laboratories
Classification: Benign for Smith-Lemli-Opitz syndrome. Last evaluated: 2020-01-15. Review status: criteria provided, single submitter. Criteria: ARUP Molecular Germline Variant Investigation Process. Collection method: clinical testing. Allele origin: germline.

Illumina Laboratory Services, Illumina
Classification: Likely benign for Smith-Lemli-Opitz syndrome. Last evaluated: 2018-01-13. Review status: criteria provided, single submitter. Criteria: ICSL Variant Classification Criteria 13 December 2019. Collection method: clinical testing. Allele origin: germline.
Comment: This variant was observed in the ICSL laboratory as part of a predisposition screen in an ostensibly healthy population. It had not been previously curated by ICSL or reported in the Human Gene Mutation Database (HGMD: prior to June 1st, 2018), and was therefore a candidate for classification through an automated scoring system. Utilizing variant allele frequency, disease prevalence and penetrance estimates, and inheritance mode, an automated score was calculated to assess if this variant is too frequent to cause the disease. Based on the score and internal cut-off values, a variant classified as likely benign is not then subjected to further curation. The score for this variant resulted in a classification of likely benign for this disease.

Center for Pediatric Genomic Medicine, Children's Mercy Hospital and Clinics
Classification: Likely benign. Last evaluated: 2017-07-17. Review status: criteria provided, single submitter. Criteria: ACMG Guidelines, 2015. Collection method: clinical testing. Allele origin: germline.

GeneDx
Classification: Benign. Last evaluated: 2017-03-15. Review status: criteria provided, single submitter. Criteria: GeneDx Variant Classification (06012015). Collection method: clinical testing. Allele origin: germline. Affected: yes.
Comment: This variant is considered likely benign or benign based on one or more of the following criteria: it is a conservative change, it occurs at a poorly conserved position in the protein, it is predicted to be benign by multiple in silico algorithms, and/or has population frequency not consistent with disease.

Ambry Genetics
Classification: Benign for Inborn genetic diseases. Last evaluated: 2016-07-06. Review status: criteria provided, single submitter. Criteria: Ambry Variant Classification Scheme 2023. Collection method: clinical testing. Allele origin: germline.

Breakthrough Genomics
Classification: Likely benign. Review status: criteria provided, single submitter. Criteria: ACMG Guidelines, 2015. Collection method: not provided. Allele origin: germline. Inheritance: Autosomal recessive inheritance. Affected: yes.

Natera, Inc.
Classification: Benign for Smith-Lemli-Opitz syndrome. Last evaluated: 2017-05-05. Review status: no assertion criteria provided. Collection method: clinical testing. Allele origin: germline. Not counted in ClinVar's aggregate classification.